The following is an entry in ClinVar:

ClinVar aggregate classification (germline): Pathogenic (1 of 4 stars; one submission).

Conditions:
46,XY sex reversal 1. Also called: SRY-related 46,XY complete gonadal dysgenesis; 46,XY SEX REVERSAL, SRY-RELATED. Identifiers: Orphanet 242, MedGen C2748896, MONDO:0020712, OMIM 400044.

Submission:

Labcorp Genetics (formerly Invitae), Labcorp
Classification: Pathogenic for 46,XY sex reversal 1. Last evaluated: 2017-12-11. Review status: criteria provided, single submitter. Criteria: Invitae Variant Classification Sherloc (09022015). Collection method: clinical testing. Allele origin: germline.
Comment: For these reasons, this variant has been classified as Pathogenic. Multiple downstream truncating variants have been reported in individuals with SRY-related disease including the variant p.Glu122Asnfs*58, which has been determined to be pathogenic (PMID: 2247151). This suggests that deletion of this region of the SRY protein is causative of disease. This variant has not been reported in the literature in individuals with SRY-related disease. This variant is not present in population databases (ExAC no frequency). This sequence change results in a premature translational stop signal in the SRY gene (p.Ser88*). While this is not anticipated to result in nonsense mediated decay, it is expected to disrupt the last 117 amino acids of the SRY protein.

Literature cited by the submitters: PubMed 2247151.

NM_003140.3(SRY):c.263C>A (p.Ser88Ter)

Gene: SRY (sex determining region Y; minus strand). Cytogenetic location: Yp11.2.
Variant type: single nucleotide variant.
Coding change: c.263C>A on transcript NM_003140.3 (MANE Select); coding-DNA position 263, C replaced by A.
Protein change: p.Ser88Ter; replaces serine 88 with a stop codon.
Molecular consequence: nonsense.
Genome position (GRCh38, 1-based): chrY:2,787,341, G>T on the plus strand (C>A on the coding strand, the complement: SRY is on the minus strand). VCF-style: chrY-2787341-G-T. GRCh37 (hg19) VCF-style: chrY-2655382-G-T.
Other names: short protein forms S88*.
Identifiers: ClinVar variation 537739 (VCV000537739.8), dbSNP rs1556370558, ClinGen allele CA414941425.
Genomic context (GRCh38, chrY:2,787,341, plus strand): 5'-GGCCATTTTTCGGCTTCAGTAAGCATTTTCCACTGGTATCCCAGCTGCTTGCTGATCTCT[G>T]AGTTTCGCATTCTGGGATTCTCTAGAGCCATCTTGCGCCTCTGATCGCGAGACCACACGA-3'